The following is an entry in ClinVar:

NM_001134407.3(GRIN2A):c.*983T>C

Gene: GRIN2A (glutamate ionotropic receptor NMDA type subunit 2A; minus strand). Cytogenetic location: 16p13.2.
Variant type: single nucleotide variant.
Coding change: c.*983T>C on transcript NM_001134407.3 (MANE Select); 983 bases downstream of the stop codon, T replaced by C.
Molecular consequence: 3 prime UTR variant.
Genome position (GRCh38, 1-based): chr16:9,762,166, A>G on the plus strand (T>C on the coding strand, the complement: GRIN2A is on the minus strand). VCF-style: chr16-9762166-A-G. GRCh37 (hg19) VCF-style: chr16-9856023-A-G.
Other names: c.*983T>C (NM_000833.5); c.*1189T>C (NM_001134408.2).
Identifiers: ClinVar variation 887190 (VCV000887190.4), dbSNP rs545042349, ClinGen allele CA277534818.

ClinVar aggregate classification (germline): Benign (1 of 4 stars; one submission).

Conditions:
Landau-Kleffner syndrome (FESD). Also called: APHASIA, ACQUIRED, WITH EPILEPSY; EPILEPSY, FOCAL, WITH SPEECH DISORDER AND WITH OR WITHOUT MENTAL RETARDATION. Identifiers: Orphanet 1945, Orphanet 725, Orphanet 98818, MedGen C0282512, MONDO:0009509, OMIM 245570.

Allele frequency attached by ClinVar (database versions not stated): gnomAD 0.00001; 1000 Genomes Project 30x 0.00031; 1000 Genomes Project 0.00040.

Submission:

Illumina Laboratory Services, Illumina
Classification: Benign for Landau-Kleffner syndrome. Last evaluated: 2018-01-12. Review status: criteria provided, single submitter. Criteria: ICSL Variant Classification Criteria 13 December 2019. Collection method: clinical testing. Allele origin: germline.
Comment: This variant was observed in the ICSL laboratory as part of a predisposition screen in an ostensibly healthy population. It had not been previously curated by ICSL or reported in the Human Gene Mutation Database (HGMD: prior to June 1st, 2018), and was therefore a candidate for classification through an automated scoring system. Utilizing variant allele frequency, disease prevalence and penetrance estimates, and inheritance mode, an automated score was calculated to assess if this variant is too frequent to cause the disease. Based on the score and internal cut-off values, a variant classified as benign is not then subjected to further curation. The score for this variant resulted in a classification of benign for this disease.